The following is an entry in ClinVar:

ClinVar aggregate classification (germline): Uncertain significance (1 of 4 stars; one submission).

Allele frequency attached by ClinVar (database versions not stated): gnomAD 0.00001; TOPMed 0.00001.
gnomAD v4.1: 23 of 1,599,328 alleles (0.0014%); highest among the groups gnomAD compares: Non-Finnish European, 0.0019%; no homozygotes.

Submission:

Labcorp Genetics (formerly Invitae), Labcorp
Classification: Uncertain significance. Last evaluated: 2023-10-29. Review status: criteria provided, single submitter. Criteria: Invitae Variant Classification Sherloc (09022015). Collection method: clinical testing. Allele origin: germline.
Comment: This sequence change replaces glutamic acid, which is acidic and polar, with aspartic acid, which is acidic and polar, at codon 336 of the AK7 protein (p.Glu336Asp). This variant is present in population databases (no rsID available, gnomAD 0.0009%). This variant has not been reported in the literature in individuals affected with AK7-related conditions. Advanced modeling of protein sequence and biophysical properties (such as structural, functional, and spatial information, amino acid conservation, physicochemical variation, residue mobility, and thermodynamic stability) performed at Invitae indicates that this missense variant is not expected to disrupt AK7 protein function with a negative predictive value of 80%. In summary, the available evidence is currently insufficient to determine the role of this variant in disease. Therefore, it has been classified as a Variant of Uncertain Significance.

NM_152327.5(AK7):c.1008G>C (p.Glu336Asp)

Gene: AK7 (adenylate kinase 7; plus strand). Cytogenetic location: 14q32.2.
Variant type: single nucleotide variant.
Coding change: c.1008G>C on transcript NM_152327.5 (MANE Select); coding-DNA position 1008, G replaced by C.
Protein change: p.Glu336Asp; replaces glutamic acid 336 with aspartic acid.
Molecular consequence: missense variant.
Genome position (GRCh38, 1-based): chr14:96,451,480, G>C. VCF-style: chr14-96451480-G-C. GRCh37 (hg19) VCF-style: chr14-96917817-G-C.
Other names: c.1008G>C, p.Glu336Asp (NM_001350888.2, NM_001350890.2, NM_001350892.2); c.930G>C, p.Glu310Asp (NM_001350891.2); short protein forms E310D, E336D.
Identifiers: ClinVar variation 2995464 (VCV002995464.3), dbSNP rs1179630036, ClinGen allele CA390914050.